The following is an entry in ClinVar:

NM_007215.4(POLG2):c.100A>T (p.Thr34Ser)

Genes: MILR1 (mast cell immunoglobulin like receptor 1; plus strand), POLG2 (DNA polymerase gamma 2, accessory subunit; minus strand). Cytogenetic location: 17q23.3.
Variant type: single nucleotide variant.
Coding change: c.100A>T on transcript NM_007215.4 (MANE Select); coding-DNA position 100, A replaced by T.
Protein change: p.Thr34Ser; replaces threonine 34 with serine.
Molecular consequence: missense variant.
Genome position (GRCh38, 1-based): chr17:64,496,869, T>A on the plus strand (A>T on the coding strand, the complement: POLG2 is on the minus strand). VCF-style: chr17-64496869-T-A. GRCh37 (hg19) VCF-style: chr17-62492987-T-A.
Other names: short protein forms T34S.
Identifiers: ClinVar variation 4808193 (VCV004808193.1).

ClinVar aggregate classification (germline): Uncertain significance (1 of 4 stars; one submission).

Submission:

Labcorp Genetics (formerly Invitae), Labcorp
Classification: Uncertain significance. Last evaluated: 2025-04-11. Review status: criteria provided, single submitter. Criteria: Invitae Variant Classification Sherloc (09022015). Collection method: clinical testing. Allele origin: germline.
Comment: This sequence change replaces threonine, which is neutral and polar, with serine, which is neutral and polar, at codon 34 of the POLG2 protein (p.Thr34Ser). This variant is not present in population databases (gnomAD no frequency). This variant has not been reported in the literature in individuals affected with POLG2-related conditions. An algorithm developed to predict the effect of missense changes on protein structure and function outputs the following: PolyPhen-2: "Benign". The serine amino acid residue is found in multiple mammalian species, which suggests that this missense change does not adversely affect protein function. In summary, the available evidence is currently insufficient to determine the role of this variant in disease. Therefore, it has been classified as a Variant of Uncertain Significance.